The following is an entry in ClinVar:

ClinVar aggregate classification (germline): Uncertain significance. Review status: criteria provided, multiple submitters, no conflicts (2 of 4 stars). 3 submissions from 3 submitters: Uncertain significance (3). Last evaluated 2026-06-02.

Submissions (3):

Women's Health and Genetics/Laboratory Corporation of America, LabCorp
Classification: Uncertain significance. Last evaluated: 2026-06-02. Review status: criteria provided, single submitter. Criteria: LabCorp Variant Classification Summary - May 2015. Collection method: clinical testing. Allele origin: germline.
Comment: Variant summary: ACTB c.259C>T (p.His87Tyr) results in a conservative amino acid change in the encoded protein sequence. Algorithms developed to predict the effect of missense changes on protein structure and function are either unavailable or do not agree on the potential impact of this missense change. The variant was absent in 251322 control chromosomes. The available data on variant occurrences in the general population are insufficient to allow any conclusion about variant significance. To our knowledge, no occurrence of c.259C>T in individuals affected with ACTB-related conditions and no experimental evidence demonstrating its impact on protein function have been reported. ClinVar contains an entry for this variant (Variation ID: 1303897). Based on the evidence outlined above, the variant was classified as uncertain significance.

Blueprint Genetics
Classification: Uncertain significance. Last evaluated: 2023-05-26. Review status: criteria provided, single submitter. Criteria: ACMG Guidelines, 2015. Collection method: clinical testing. Allele origin: germline.

GeneDx
Classification: Uncertain significance. Last evaluated: 2019-11-05. Review status: criteria provided, single submitter. Criteria: GeneDx Variant Classification Process June 2021. Collection method: clinical testing. Allele origin: germline. Affected: yes.
Comment: Not observed in large population cohorts (Lek et al., 2016); The majority of missense variants in this gene are considered pathogenic (Stenson et al., 2014); In silico analysis, which includes protein predictors and evolutionary conservation, supports a deleterious effect; Has not been previously published as pathogenic or benign to our knowledge

NM_001101.5(ACTB):c.259C>T (p.His87Tyr)

Gene: ACTB (actin beta; minus strand). Cytogenetic location: 7p22.1.
Variant type: single nucleotide variant.
Coding change: c.259C>T on transcript NM_001101.5 (MANE Select); coding-DNA position 259, C replaced by T.
Protein change: p.His87Tyr; replaces histidine 87 with tyrosine.
Molecular consequence: missense variant.
Genome position (GRCh38, 1-based): chr7:5,529,265, G>A on the plus strand (C>T on the coding strand, the complement: ACTB is on the minus strand). VCF-style: chr7-5529265-G-A. GRCh37 (hg19) VCF-style: chr7-5568896-G-A.
Other names: short protein forms H87Y.
Identifiers: ClinVar variation 1303897 (VCV001303897.4), dbSNP rs1554329552, ClinGen allele CA366704581.
Genomic context (GRCh38, chr7:5,529,265, plus strand): 5'-CGGTCAGCAGCACGGGGTGCTCCTCGGGAGCCACACGCAGCTCATTGTAGAAGGTGTGGT[G>A]CCAGATTTTCTCCATGTCGTCCCAGTTGGTGACGATGCCGTGCTCGATGGGGTACTTCAG-3'
Protein context (NP_001092.1, residues 77-97): TNWDDMEKIW[His87Tyr]HTFYNELRVA